The following is an entry in ClinVar:

ClinVar aggregate classification (germline): Uncertain significance (1 of 4 stars; one submission).

Conditions:
KBG syndrome (KBGS). Also called: ANKRD11-Related KBG Syndrome. Identifiers: Orphanet 2332, MedGen C0220687, MONDO:0007846, OMIM 148050.

Submission:

Labcorp Genetics (formerly Invitae), Labcorp
Classification: Uncertain significance for KBG syndrome. Last evaluated: 2022-05-06. Review status: criteria provided, single submitter. Criteria: Invitae Variant Classification Sherloc (09022015). Collection method: clinical testing. Allele origin: germline.
Comment: This variant is a gross deletion that occurs in a non-coding region of the ANKRD11 gene. It does not change the encoded amino acid sequence of the ANKRD11 protein. This variant has not been reported in the literature in individuals affected with ANKRD11-related conditions. Experimental studies and prediction algorithms are not available or were not evaluated, and the functional significance of this variant is currently unknown. In summary, the available evidence is currently insufficient to determine the role of this variant in disease. Therefore, it has been classified as a Variant of Uncertain Significance.

NC_000016.9:g.(?_89556653)_(89556969_?)del

Gene: ANKRD11 (ankyrin repeat domain 11; minus strand). Cytogenetic location: 16q24.3.
Variant type: Deletion.
Identifiers: ClinVar variation 2425840 (VCV002425840.3).